The following is an entry in ClinVar:

ClinVar aggregate classification (germline): Conflicting classifications of pathogenicity. Review status: criteria provided, conflicting classifications (1 of 4 stars). 4 submissions from 4 submitters: Pathogenic (1); Likely pathogenic (1); Uncertain significance (2). Last evaluated 2024-06-12.

Conditions:
Neuronopathy, distal hereditary motor, type 5A (HMND5). Also called: Distal Spinal Muscular Atrophy V; DHMN VA; Distal Spinal Muscular Atrophy V (dSMA-V); NEURONOPATHY, DISTAL HEREDITARY MOTOR, AUTOSOMAL DOMINANT 5. Identifiers: Orphanet 139536, MedGen CN031873, MONDO:0015353, OMIM 600794.
GARS1-related disorder. Also called: GARS1-related condition.
Charcot-Marie-Tooth disease type 2. Also called: Charcot-Marie-Tooth type 2. Identifiers: Orphanet 64746, MedGen C0270914, MONDO:0018993.

Submissions (4):

3billion
Classification: Likely pathogenic for GARS1-related disorder. Last evaluated: 2024-06-12. Review status: criteria provided, single submitter. Criteria: ACMG Guidelines, 2015. Collection method: clinical testing. Allele origin: germline. Affected: yes.
Comment: The variant is not observed in the gnomAD v4.0.0 dataset. Predicted Consequence/Location: Missense changes are a common disease-causing mechanism. In silico tool predictions suggest damaging effect of the variant on gene or gene product [REVEL: 0.65 (>=0.6, sensitivity 0.68 and specificity 0.92); 3Cnet: 0.91 (>=0.6, sensitivity 0.72 and precision 0.9)]. The same nucleotide change resulting in the same amino acid change has been previously reported to be associated with GARS1 related disorder (ClinVar ID: VCV000931791).Different missense changes at the same codon (p.Ile334Asn, p.Ile334Phe, p.Ile334Ser) have been reported as pathogenic/likely pathogenic with strong evidence (ClinVar ID: VCV000476747, VCV000543227, VCV000834274 /PMID: 17101916, 32181591). Therefore, this variant is classified as Likely pathogenic according to the recommendation of ACMG/AMP guideline.

Mendelics
Classification: Pathogenic for Neuronopathy, distal hereditary motor, type 5A. Last evaluated: 2022-05-04. Review status: criteria provided, single submitter. Criteria: Mendelics Assertion Criteria 2019. Collection method: clinical testing. Allele origin: germline.

Labcorp Genetics (formerly Invitae), Labcorp
Classification: Uncertain significance for Charcot-Marie-Tooth disease type 2. Last evaluated: 2021-11-30. Review status: criteria provided, single submitter. Criteria: Invitae Variant Classification Sherloc (09022015). Collection method: clinical testing. Allele origin: germline.
Comment: This sequence change replaces isoleucine, which is neutral and non-polar, with methionine, which is neutral and non-polar, at codon 334 of the GARS protein (p.Ile334Met). This variant is not present in population databases (gnomAD no frequency). This variant has not been reported in the literature in individuals affected with GARS-related conditions. ClinVar contains an entry for this variant (Variation ID: 931791). Algorithms developed to predict the effect of missense changes on protein structure and function are either unavailable or do not agree on the potential impact of this missense change (SIFT: "Deleterious"; PolyPhen-2: "Probably Damaging"; Align-GVGD: "Class C0"). This variant disrupts the p.Ile334 amino acid residue in GARS. Other variant(s) that disrupt this residue have been determined to be pathogenic (PMID: 17101916, 24604904, 25476837; Invitae). This suggests that this residue is clinically significant, and that variants that disrupt this residue are likely to be disease-causing. In summary, the available evidence is currently insufficient to determine the role of this variant in disease. Therefore, it has been classified as a Variant of Uncertain Significance.

Centre for Mendelian Genomics, University Medical Centre Ljubljana
Classification: Uncertain significance. Last evaluated: 2020-03-12. Review status: criteria provided, single submitter. Criteria: ACMG Guidelines, 2015. Collection method: clinical testing. Allele origin: unknown. Affected: yes.
Comment: This variant was classified as: Uncertain significance. The available evidence favors the pathogenic nature of this variant, however the currently available data is insufficient to conclusively support its pathogenic nature. Thus this variant is classified as Uncertain significance - favor pathogenic. The following ACMG criteria were applied in classifying this variant: PM2,PM5,PP3.

Literature cited by the submitters: PubMed 17101916 (cited by 3billion and Labcorp Genetics (formerly Invitae), Labcorp); PubMed 24604904 (cited by Labcorp Genetics (formerly Invitae), Labcorp); PubMed 25476837 (cited by Labcorp Genetics (formerly Invitae), Labcorp).

NM_002047.4(GARS1):c.1002C>G (p.Ile334Met)

Gene: GARS1 (glycyl-tRNA synthetase 1; plus strand). Cytogenetic location: 7p14.3.
Variant type: single nucleotide variant.
Coding change: c.1002C>G on transcript NM_002047.4 (MANE Select); coding-DNA position 1002, C replaced by G.
Protein change: p.Ile334Met; replaces isoleucine 334 with methionine.
Molecular consequence: missense variant.
Genome position (GRCh38, 1-based): chr7:30,612,216, C>G. VCF-style: chr7-30612216-C-G. GRCh37 (hg19) VCF-style: chr7-30651832-C-G.
Other names: c.840C>G, p.Ile280Met (NM_001316772.1); short protein forms I280M, I334M.
Identifiers: ClinVar variation 931791 (VCV000931791.11), dbSNP rs1303447354, ClinGen allele CA367125520.